The following is an entry in ClinVar:

NM_004336.5(BUB1):c.1280G>A (p.Cys427Tyr)

Gene: BUB1 (BUB1 mitotic checkpoint serine/threonine kinase; minus strand). Cytogenetic location: 2q13.
Variant type: single nucleotide variant.
Coding change: c.1280G>A on transcript NM_004336.5 (MANE Select); coding-DNA position 1280, G replaced by A.
Protein change: p.Cys427Tyr; replaces cysteine 427 with tyrosine.
Molecular consequence: missense variant.
Genome position (GRCh38, 1-based): chr2:110,658,739, C>T on the plus strand (G>A on the coding strand, the complement: BUB1 is on the minus strand). VCF-style: chr2-110658739-C-T. GRCh37 (hg19) VCF-style: chr2-111416316-C-T.
Other names: c.1220G>A, p.Cys407Tyr (NM_001278616.2); c.1280G>A, p.Cys427Tyr (NM_001278617.2); short protein forms C407Y, C427Y.
Identifiers: ClinVar variation 1767870 (VCV001767870.2), dbSNP rs2468010641, ClinGen allele CA348212908.

ClinVar aggregate classification (germline): Uncertain significance (1 of 4 stars; one submission).

Submission:

Ambry Genetics
Classification: Uncertain significance. Last evaluated: 2021-12-13. Review status: criteria provided, single submitter. Criteria: Ambry Variant Classification Scheme 2023. Collection method: clinical testing. Allele origin: germline.
Comment: The p.C427Y variant (also known as c.1280G>A), located in coding exon 12 of the BUB1 gene, results from a G to A substitution at nucleotide position 1280. The cysteine at codon 427 is replaced by tyrosine, an amino acid with highly dissimilar properties. This amino acid position is conserved. In addition, this alteration is predicted to be tolerated by in silico analysis. Since supporting evidence is limited at this time, the clinical significance of this alteration remains unclear.